The following is an entry in ClinVar:

ClinVar aggregate classification (germline): Uncertain significance (1 of 4 stars; one submission).

Conditions:
Primary dilated cardiomyopathy (DCM). Also called: Dilated Cardiomyopathy. Identifiers: Orphanet 217604, MedGen C0007193, MeSH D002311, MONDO:0005021, HP:0001644. Inheritance: Various modes of inheritance.

Submission:

Labcorp Genetics (formerly Invitae), Labcorp
Classification: Uncertain significance for Primary dilated cardiomyopathy. Last evaluated: 2021-10-08. Review status: criteria provided, single submitter. Criteria: Invitae Variant Classification Sherloc (09022015). Collection method: clinical testing. Allele origin: germline.
Comment: This sequence change creates a premature translational stop signal (p.Gln60*) in the TXNRD2 gene. It is expected to result in an absent or disrupted protein product. However, the current clinical and genetic evidence is not sufficient to establish whether loss-of-function variants in TXNRD2 cause disease. The frequency data for this variant in the population databases is not available, as this variant may be reported as separate entries in the ExAC database. This variant has not been reported in the literature in individuals affected with TXNRD2-related conditions. ClinVar contains an entry for this variant (Variation ID: 935913). In summary, the available evidence is currently insufficient to determine the role of this variant in disease. Therefore, it has been classified as a Variant of Uncertain Significance.

NM_006440.5(TXNRD2):c.177_178delinsTT (p.Gln60Ter)

Gene: TXNRD2 (thioredoxin reductase 2; minus strand). Cytogenetic location: 22q11.21.
Variant type: Indel.
Coding change: c.177_178delinsTT on transcript NM_006440.5 (MANE Select); coding-DNA positions 177 to 178, CC replaced by TT.
Protein change: p.Gln60Ter; replaces glutamine 60 with a stop codon.
Molecular consequence: nonsense. On other transcripts: 5 prime UTR variant (1).
Genome position (GRCh38, 1-based): chr22:19,919,594-19,919,595, GG replaced by AA on the plus strand (CC replaced by TT on the coding strand, the reverse complement: TXNRD2 is on the minus strand). VCF-style: chr22-19919594-GG-AA. GRCh37 (hg19) VCF-style: chr22-19907117-GG-AA.
Other names: c.177_178delinsTT, p.Gln60Ter (NM_001282512.3); c.174_175delinsTT, p.Gln59Ter (NM_001352300.2); c.87_88delinsTT, p.Gln30Ter (NM_001352301.2); c.-112_-111delinsTT (NM_001352302.2); c.81_82delinsTT, p.Gln28Ter (NM_001352303.2); short protein forms Q59*, Q28*, Q30*, Q60*.
Identifiers: ClinVar variation 935913 (VCV000935913.8), dbSNP rs1940808459, ClinGen allele CA1139666948.
Genomic context (GRCh38, chr22:19,919,594, plus strand): 5'-GCTGCCTACCTTGGGGAGAAGGTTCCACGTAGTCCACCACGGCCACCTTCCTTCCCAGCT[GG>AA]GCGGCTGGAAGGATAAGGAGAGCAGCAGGTGAGCATGGGGAGCTGGCTCAGGACTCAAGA-3'